The following is an entry in ClinVar:

NM_001318895.3(FHL2):c.278A>T (p.Tyr93Phe)

Genes: C2orf49 (chromosome 2 open reading frame 49; plus strand), FHL2 (four and a half LIM domains 2; minus strand). Cytogenetic location: 2q12.2.
Variant type: single nucleotide variant.
Coding change: c.278A>T on transcript NM_001318895.3 (MANE Select); coding-DNA position 278, A replaced by T.
Protein change: p.Tyr93Phe; replaces tyrosine 93 with phenylalanine.
Molecular consequence: missense variant. On other transcripts: 5 prime UTR variant (1), intron variant (2).
Genome position (GRCh38, 1-based): chr2:105,373,612, T>A on the plus strand (A>T on the coding strand, the complement: FHL2 is on the minus strand). VCF-style: chr2-105373612-T-A. GRCh37 (hg19) VCF-style: chr2-105990069-T-A.
Other names: c.278A>T, p.Tyr93Phe (NM_001039492.3, NM_001318894.1, NM_001318896.2 and 4 more transcripts); c.-47A>T (NM_001318899.2); c.-11-5873A>T (NM_001318897.2, NM_001318898.2); short protein forms Y93F.
Identifiers: ClinVar variation 2763370 (VCV002763370.3), dbSNP rs1355440403, ClinGen allele CA348001649.

ClinVar aggregate classification (germline): Uncertain significance (1 of 4 stars; one submission).

Conditions:
Primary dilated cardiomyopathy (DCM). Also called: Dilated Cardiomyopathy. Identifiers: Orphanet 217604, MedGen C0007193, MeSH D002311, MONDO:0005021, HP:0001644. Inheritance: Various modes of inheritance.

Submission:

Labcorp Genetics (formerly Invitae), Labcorp
Classification: Uncertain significance for Primary dilated cardiomyopathy. Last evaluated: 2025-09-15. Review status: criteria provided, single submitter. Criteria: Invitae Variant Classification Sherloc (09022015). Collection method: clinical testing. Allele origin: germline.
Comment: This sequence change replaces tyrosine, which is neutral and polar, with phenylalanine, which is neutral and non-polar, at codon 93 of the FHL2 protein (p.Tyr93Phe). This variant is not present in population databases (gnomAD no frequency). This variant has not been reported in the literature in individuals affected with FHL2-related conditions. ClinVar contains an entry for this variant (Variation ID: 2763370). Invitae Evidence Modeling of protein sequence and biophysical properties (such as structural, functional, and spatial information, amino acid conservation, physicochemical variation, residue mobility, and thermodynamic stability) indicates that this missense variant is not expected to disrupt FHL2 protein function with a negative predictive value of 80%. Experimental studies have shown that this missense change does not substantially affect FHL2 function (PMID: 33932144). In summary, the available evidence is currently insufficient to determine the role of this variant in disease. Therefore, it has been classified as a Variant of Uncertain Significance.

Literature cited by the submitters: PubMed 33932144.